The following is an entry in ClinVar:

NM_004046.6(ATP5F1A):c.248G>A (p.Arg83His)

Gene: ATP5F1A (ATP synthase F1 subunit alpha; minus strand). Cytogenetic location: 18q21.1.
Variant type: single nucleotide variant.
Coding change: c.248G>A on transcript NM_004046.6 (MANE Select); coding-DNA position 248, G replaced by A.
Protein change: p.Arg83His; replaces arginine 83 with histidine.
Molecular consequence: missense variant.
Genome position (GRCh38, 1-based): chr18:46,091,743, C>T on the plus strand (G>A on the coding strand, the complement: ATP5F1A is on the minus strand). VCF-style: chr18-46091743-C-T. GRCh37 (hg19) VCF-style: chr18-43671709-C-T.
Other names: c.98G>A, p.Arg33His (NM_001001935.3, NM_001257335.2); c.248G>A, p.Arg83His (NM_001001937.2, NM_001257334.2); short protein forms R83H, R33H.
Identifiers: ClinVar variation 559364 (VCV000559364.14), dbSNP rs146467617, ClinGen allele CA8950860.
Genomic context (GRCh38, chr18:46,091,743, plus strand): 5'-TTTAAGCCTGAAGAAAACTCTACCATTTCTTCTGCTTGAACATTCCTCAGCCCATGTACG[C>T]GGGCAATACCATCACCAATACTTAAGACACGCCCAGTTTCTTCAAGATCAACAGAGGTAT-3'
Protein context (NP_004037.1, residues 73-93): RVLSIGDGIA[Arg83His]VHGLRNVQAE

ClinVar aggregate classification (germline): Conflicting classifications of pathogenicity. Review status: criteria provided, conflicting classifications (1 of 4 stars). 4 submissions from 4 submitters: Uncertain significance (2); Likely benign (1). 1 of the submissions does not count toward it. Last evaluated 2026-01-07.

Conditions:
Inborn genetic diseases. Identifiers: MedGen C0950123, MeSH D030342.

Allele frequency attached by ClinVar (database versions not stated): ExAC 0.00009; gnomAD exomes 0.00010 and 0.00014; gnomAD 0.00023 and 0.00026; TOPMed 0.00028; ESP Exome Variant Server 0.00054.
gnomAD v4.1: 244 of 1,613,680 alleles (0.015%); highest among the groups gnomAD compares: African/African-American, 0.069%; no homozygotes.

Submissions (4):

Labcorp Genetics (formerly Invitae), Labcorp
Classification: Likely benign. Last evaluated: 2026-01-07. Review status: criteria provided, single submitter. Criteria: Invitae Variant Classification Sherloc (09022015). Collection method: clinical testing. Allele origin: germline.

GeneDx
Classification: Uncertain significance. Last evaluated: 2025-10-14. Review status: criteria provided, single submitter. Criteria: GeneDx Variant Classification Process June 2021. Collection method: clinical testing. Allele origin: germline. Affected: yes.
Comment: Has not been previously published as pathogenic or benign to our knowledge; In silico analysis supports that this missense variant has a deleterious effect on protein structure/function

Ambry Genetics
Classification: Uncertain significance for Inborn genetic diseases. Last evaluated: 2024-11-13. Review status: criteria provided, single submitter. Criteria: Ambry Variant Classification Scheme 2023. Collection method: clinical testing. Allele origin: germline.

Mayo Clinic Laboratories, Mayo Clinic
Classification: Uncertain significance. Last evaluated: 2018-03-19. Review status: no assertion criteria provided. Collection method: clinical testing. Allele origin: unknown. Not counted in ClinVar's aggregate classification.